The following is an entry in ClinVar:

NM_005845.5(ABCC4):c.1915G>A (p.Glu639Lys)

Gene: ABCC4 (ATP binding cassette subfamily C member 4 (PEL blood group); minus strand). Cytogenetic location: 13q32.1.
Variant type: single nucleotide variant.
Coding change: c.1915G>A on transcript NM_005845.5 (MANE Select); coding-DNA position 1915, G replaced by A.
Protein change: p.Glu639Lys; replaces glutamic acid 639 with lysine.
Molecular consequence: missense variant.
Genome position (GRCh38, 1-based): chr13:95,166,277, C>T on the plus strand (G>A on the coding strand, the complement: ABCC4 is on the minus strand). VCF-style: chr13-95166277-C-T. GRCh37 (hg19) VCF-style: chr13-95818531-C-T.
Other names: p.Glu639Lys; c.1915G>A, p.Glu639Lys (NM_001105515.3, NM_001301829.2); c.1690G>A, p.Glu564Lys (NM_001301830.2); short protein forms E564K, E639K.
Identifiers: ClinVar variation 3380160 (VCV003380160.1).
Genomic context (GRCh38, chr13:95,166,277, plus strand): 5'-CCGAAGACTCTGAGAAGGTACGATTCCTTAGTGTGGGAGTTCCTGGAACTGGAGGTTGTT[C>T]ACTTTCCTCATTATCCTTCTTTAAAAGGGAGCCAAAATCTATACCAGATTTTAGGAACTC-3'
Protein context (NP_005836.2, residues 629-649): SLLKKDNEES[Glu639Lys]QPPVPGTPTL

ClinVar aggregate classification (germline): Uncertain significance (1 of 4 stars; one submission).

gnomAD v4.1: 2 of 1,614,120 alleles (0.00012%); highest among the groups gnomAD compares: Non-Finnish European, 0.00017%; no homozygotes.

Submission:

Mayo Clinic Laboratories, Mayo Clinic
Classification: Uncertain significance. Last evaluated: 2024-01-04. Review status: criteria provided, single submitter. Criteria: ACMG Guidelines, 2015. Collection method: clinical testing. Allele origin: germline. Observed: 1 variant allele.
Comment: PM1, PM2_moderate